The following is an entry in ClinVar:

ClinVar aggregate classification (germline): Uncertain significance (1 of 4 stars; one submission).

Allele frequency attached by ClinVar (database versions not stated): gnomAD exomes 0.00001; ExAC 0.00005; gnomAD 0.00005; ESP Exome Variant Server 0.00008; 1000 Genomes Project 30x 0.00016; 1000 Genomes Project 0.00020.
gnomAD v4.1: 15 of 1,601,326 alleles (0.00094%); highest among the groups gnomAD compares: African/African-American, 0.017%; no homozygotes.

Submission:

Labcorp Genetics (formerly Invitae), Labcorp
Classification: Uncertain significance. Last evaluated: 2022-05-14. Review status: criteria provided, single submitter. Criteria: Invitae Variant Classification Sherloc (09022015). Collection method: clinical testing. Allele origin: germline.
Comment: This sequence change replaces tyrosine, which is neutral and polar, with cysteine, which is neutral and slightly polar, at codon 302 of the AEBP1 protein (p.Tyr302Cys). The frequency data for this variant in the population databases is considered unreliable, as metrics indicate poor data quality at this position in the gnomAD database. This variant has not been reported in the literature in individuals affected with AEBP1-related conditions. Algorithms developed to predict the effect of missense changes on protein structure and function are either unavailable or do not agree on the potential impact of this missense change (SIFT: "Deleterious"; PolyPhen-2: "Probably Damaging"; Align-GVGD: "Class C0"). In summary, the available evidence is currently insufficient to determine the role of this variant in disease. Therefore, it has been classified as a Variant of Uncertain Significance.

NM_001129.5(AEBP1):c.905A>G (p.Tyr302Cys)

Gene: AEBP1 (AE binding protein 1; plus strand). Cytogenetic location: 7p13.
Variant type: single nucleotide variant.
Coding change: c.905A>G on transcript NM_001129.5 (MANE Select); coding-DNA position 905, A replaced by G.
Protein change: p.Tyr302Cys; replaces tyrosine 302 with cysteine.
Molecular consequence: missense variant.
Genome position (GRCh38, 1-based): chr7:44,108,049, A>G. VCF-style: chr7-44108049-A-G. GRCh37 (hg19) VCF-style: chr7-44147648-A-G.
Other names: short protein forms Y302C.
Identifiers: ClinVar variation 2139126 (VCV002139126.2), dbSNP rs376262022, ClinGen allele CA4237672.
Genomic context (GRCh38, chr7:44,108,049, plus strand): 5'-ACCTCCCCGCCTCCCCAGAGCCTCCTGTGAAGCCTCTGCTGCCCCCGCTGCCCCCTGACT[A>G]TGGTGATGGTTACGTGATCCCCAACTACGATGACAGTGAGTACCCAGCACCCCAGAGTCT-3'
Protein context (NP_001120.3, residues 292-312): KPLLPPLPPD[Tyr302Cys]GDGYVIPNYD